The following is an entry in ClinVar:

ClinVar aggregate classification (germline): Likely benign (1 of 4 stars; one submission).

Allele frequency attached by ClinVar (database versions not stated): 1000 Genomes Project 0.00339; 1000 Genomes Project 30x 0.00390; ExAC 0.00432; ESP Exome Variant Server 0.00507; gnomAD 0.00509; TOPMed 0.00587; gnomAD exomes 0.00662.

Submission:

CeGaT Center for Human Genetics Tuebingen
Classification: Likely benign. Last evaluated: 2022-11-01. Review status: criteria provided, single submitter. Criteria: CeGaT Center For Human Genetics Tuebingen Variant Classification Criteria Version 2. Collection method: clinical testing. Allele origin: germline. Affected: yes. Observed: 1 variant allele.
Comment: EVPL: BP4, BS2

NM_001988.4(EVPL):c.3484G>A (p.Glu1162Lys)

Gene: EVPL (envoplakin; minus strand). Cytogenetic location: 17q25.1.
Variant type: single nucleotide variant.
Coding change: c.3484G>A on transcript NM_001988.4 (MANE Select); coding-DNA position 3484, G replaced by A.
Protein change: p.Glu1162Lys; replaces glutamic acid 1162 with lysine.
Molecular consequence: missense variant.
Genome position (GRCh38, 1-based): chr17:76,009,721, C>T on the plus strand (G>A on the coding strand, the complement: EVPL is on the minus strand). VCF-style: chr17-76009721-C-T. GRCh37 (hg19) VCF-style: chr17-74005802-C-T.
Other names: c.3550G>A, p.Glu1184Lys (NM_001320747.2); short protein forms E1162K, E1184K.
Identifiers: ClinVar variation 2648288 (VCV002648288.24), dbSNP rs146508997, ClinGen allele CA8778246.